The following is an entry in ClinVar:

ClinVar aggregate classification (germline): Uncertain significance (1 of 4 stars; one submission).

Conditions:
Landau-Kleffner syndrome (FESD). Also called: EPILEPSY, FOCAL, WITH SPEECH DISORDER AND WITH OR WITHOUT MENTAL RETARDATION; APHASIA, ACQUIRED, WITH EPILEPSY. Identifiers: Orphanet 1945, Orphanet 725, Orphanet 98818, MedGen C0282512, MONDO:0009509, OMIM 245570.

Allele frequency attached by ClinVar (database versions not stated): TOPMed 0.00001.

Submission:

New York Genome Center
Classification: Uncertain significance for Landau-Kleffner syndrome. Last evaluated: 2022-01-06. Review status: criteria provided, single submitter. Criteria: NYGC Assertion Criteria 2020. Collection method: clinical testing. Allele origin: inherited. Observed: 1 heterozygote. Study: CSER-NYCKidSeq.
Comment: The c.3604G>C, p.Glu1202Gln is a novel missense variant in the GRIN2A gene and has not been reported in the available literature.The variant is absent from the gnomAD database, indicating this is a rare allele. In silico tools, predict conflicting evidence of pathogenicity. Based on the available evidence, the c.3604G>C, p.Glu1202Gln variant in the GRIN2A gene is classified as a variant of uncertain significance.

NM_001134407.3(GRIN2A):c.3604G>C (p.Glu1202Gln)

Gene: GRIN2A (glutamate ionotropic receptor NMDA type subunit 2A; minus strand). Cytogenetic location: 16p13.2.
Variant type: single nucleotide variant.
Coding change: c.3604G>C on transcript NM_001134407.3 (MANE Select); coding-DNA position 3604, G replaced by C.
Protein change: p.Glu1202Gln; replaces glutamic acid 1202 with glutamine.
Molecular consequence: missense variant.
Genome position (GRCh38, 1-based): chr16:9,763,940, C>G on the plus strand (G>C on the coding strand, the complement: GRIN2A is on the minus strand). VCF-style: chr16-9763940-C-G. GRCh37 (hg19) VCF-style: chr16-9857797-C-G.
Other names: c.3604G>C, p.Glu1202Gln (NM_000833.5, NM_001134408.2); short protein forms E1202Q.
Identifiers: ClinVar variation 978148 (VCV000978148.2), dbSNP rs1555482336, ClinGen allele CA394707261.